The following is an entry in ClinVar:

NM_017841.4(SDHAF2):c.260+6G>A

Gene: SDHAF2 (succinate dehydrogenase complex assembly factor 2; plus strand). Cytogenetic location: 11q12.2.
Variant type: single nucleotide variant.
Coding change: c.260+6G>A on transcript NM_017841.4 (MANE Select); 6 bases into the intron after coding-DNA position 260, G replaced by A.
Molecular consequence: intron variant.
Genome position (GRCh38, 1-based): chr11:61,437,854, G>A. VCF-style: chr11-61437854-G-A. GRCh37 (hg19) VCF-style: chr11-61205326-G-A.
Identifiers: ClinVar variation 1428636 (VCV001428636.6), dbSNP rs2134892567, ClinGen allele CA2573147257.

ClinVar aggregate classification (germline): Uncertain significance (1 of 4 stars; one submission).

Conditions:
Hereditary pheochromocytoma and paraganglioma. Also called: Hereditary paragangliomas and pheochromocytomas; Hereditary Paraganglioma-Pheochromocytoma Syndromes; Hereditary pheochromocytoma-paraganglioma. Identifiers: Orphanet 29072, MedGen C4274332, MONDO:0017366.

Submission:

Labcorp Genetics (formerly Invitae), Labcorp
Classification: Uncertain significance for Hereditary pheochromocytoma and paraganglioma. Last evaluated: 2020-12-09. Review status: criteria provided, single submitter. Criteria: Invitae Variant Classification Sherloc (09022015). Collection method: clinical testing. Allele origin: germline.
Comment: This sequence change falls in intron 2 of the SDHAF2 gene. It does not directly change the encoded amino acid sequence of the SDHAF2 protein. It affects a nucleotide within the consensus splice site of the intron. This variant is not present in population databases (ExAC no frequency). This variant has not been reported in the literature in individuals with SDHAF2-related conditions. Nucleotide substitutions within the consensus splice site are a relatively common cause of aberrant splicing (PMID: 17576681, 9536098). Algorithms developed to predict the effect of sequence changes on RNA splicing suggest that this variant is not likely to affect RNA splicing, but this prediction has not been confirmed by published transcriptional studies. In summary, the available evidence is currently insufficient to determine the role of this variant in disease. Therefore, it has been classified as a Variant of Uncertain Significance.

Literature cited by the submitters: PubMed 17576681; PubMed 9536098.